The following is an entry in ClinVar:

ClinVar aggregate classification (germline): Uncertain significance. Review status: criteria provided, multiple submitters, no conflicts (2 of 4 stars). 2 submissions from 2 submitters: Uncertain significance (2). Last evaluated 2023-12-19.

Conditions:
Hypertrophic cardiomyopathy 14. Identifiers: MedGen C2750467, MONDO:0013197, OMIM 613251.

Submissions (2):

GeneDx
Classification: Uncertain significance. Last evaluated: 2023-12-19. Review status: criteria provided, single submitter. Criteria: GeneDx Variant Classification Process June 2021. Collection method: clinical testing. Allele origin: germline. Affected: yes.
Comment: Has not been previously published as pathogenic or benign to our knowledge; Not observed at significant frequency in large population cohorts (gnomAD); Frameshift variant predicted to result in protein truncation or nonsense mediated decay in a gene for which loss of function is a known mechanism of disease

Labcorp Genetics (formerly Invitae), Labcorp
Classification: Uncertain significance for Hypertrophic cardiomyopathy 14. Last evaluated: 2022-10-10. Review status: criteria provided, single submitter. Criteria: Invitae Variant Classification Sherloc (09022015). Collection method: clinical testing. Allele origin: germline.
Comment: This variant is not present in population databases (gnomAD no frequency). This sequence change creates a premature translational stop signal (p.Lys1024Serfs*17) in the MYH6 gene. It is expected to result in an absent or disrupted protein product. However, the current clinical and genetic evidence is not sufficient to establish whether loss-of-function variants in MYH6 cause disease. In summary, the available evidence is currently insufficient to determine the role of this variant in disease. Therefore, it has been classified as a Variant of Uncertain Significance. This variant has not been reported in the literature in individuals affected with MYH6-related conditions.

NM_002471.4(MYH6):c.3069del (p.Lys1024fs)

Gene: MYH6 (myosin heavy chain 6; minus strand). Cytogenetic location: 14q11.2.
Variant type: Deletion.
Coding change: c.3069del on transcript NM_002471.4 (MANE Select); coding-DNA position 3069, one base deleted (C; older notation c.3069delC).
Protein change: p.Lys1024fs; shifts the reading frame from lysine 1024.
Molecular consequence: frameshift variant.
Genome position (GRCh38, 1-based): chr14:23,393,378, G deleted on the plus strand (C on the coding strand, the reverse complement: MYH6 is on the minus strand); the first of 2 consecutive G bases (chr14:23,393,378-23,393,379); deleting either gives the same sequence. VCF-style (leftmost placement, unchanged base first): chr14-23393377-TG-T. GRCh37 (hg19) VCF-style: chr14-23862586-TG-T.
Other names: c.3069del (NM_002471.3); c.3068delC, p.Lys1024Serfs (NM_002471.3); short protein forms K1024fs.
Identifiers: ClinVar variation 2035016 (VCV002035016.5), dbSNP rs2502168936, ClinGen allele CA2580087925.